The following is an entry in ClinVar:

NM_004369.4(COL6A3):c.8895C>A (p.Thr2965=)

Gene: COL6A3 (collagen type VI alpha 3 chain; minus strand). Cytogenetic location: 2q37.3.
Variant type: single nucleotide variant.
Coding change: c.8895C>A on transcript NM_004369.4 (MANE Select); coding-DNA position 8895, C replaced by A.
Protein change: p.Thr2965=; no amino-acid change (threonine 2965 retained).
Molecular consequence: synonymous variant.
Genome position (GRCh38, 1-based): chr2:237,336,205, G>T on the plus strand (C>A on the coding strand, the complement: COL6A3 is on the minus strand). VCF-style: chr2-237336205-G-T. GRCh37 (hg19) VCF-style: chr2-238244848-G-T.
Other names: c.7074C>A, p.Thr2358= (NM_057166.5); c.8277C>A, p.Thr2759= (NM_057167.4).
Identifiers: ClinVar variation 1619910 (VCV001619910.12), dbSNP rs114008087, ClinGen allele CA2187417.

ClinVar aggregate classification (germline): Likely benign. Review status: criteria provided, multiple submitters, no conflicts (2 of 4 stars). 2 submissions from 2 submitters: Likely benign (2). Last evaluated 2026-03-01.

Conditions:
Bethlem myopathy 1A. Also called: MYOPATHY, BENIGN CONGENITAL, WITH CONTRACTURES; Bethlem myopathy 1; Bethlem Muscular Dystrophy. Identifiers: Orphanet 610, MedGen CN029274, MONDO:0024530, OMIM 158810.

Allele frequency attached by ClinVar (database versions not stated): gnomAD exomes below 0.00001; ExAC 0.00001; gnomAD 0.00001; 1000 Genomes Project 30x 0.00016; 1000 Genomes Project 0.00020.
gnomAD v4.1: 3 of 1,613,720 alleles (0.00019%); highest among the groups gnomAD compares: African/African-American, 0.004%; no homozygotes.

Submissions (2):

CeGaT Center for Human Genetics Tuebingen
Classification: Likely benign. Last evaluated: 2026-03-01. Review status: criteria provided, single submitter. Criteria: CeGaT Center For Human Genetics Tuebingen Variant Classification Criteria Version 2. Collection method: clinical testing. Allele origin: germline. Affected: yes. Observed: 1 variant allele.
Comment: COL6A3: BP4, BP7

Labcorp Genetics (formerly Invitae), Labcorp
Classification: Likely benign for Bethlem myopathy 1A. Last evaluated: 2023-10-09. Review status: criteria provided, single submitter. Criteria: Invitae Variant Classification Sherloc (09022015). Collection method: clinical testing. Allele origin: germline.